The following is an entry in ClinVar:

ClinVar aggregate classification (germline): Pathogenic (1 of 4 stars; one submission).

Conditions:
Gorlin syndrome. Also called: Nevoid Basal Cell Carcinoma Syndrome; Basal cell nevus syndrome. Identifiers: Orphanet 377, MedGen C0004779, MONDO:0007187.

Submission:

Labcorp Genetics (formerly Invitae), Labcorp
Classification: Pathogenic for Gorlin syndrome. Last evaluated: 2020-06-29. Review status: criteria provided, single submitter. Criteria: Invitae Variant Classification Sherloc (09022015). Collection method: clinical testing. Allele origin: germline.
Comment: For these reasons, this variant has been classified as Pathogenic. Donor and acceptor splice site variants typically lead to a loss of protein function (PMID: 16199547), and loss-of-function variants in PTCH1 are known to be pathogenic (PMID: 16301862, 16419085). Algorithms developed to predict the effect of sequence changes on RNA splicing suggest that this variant may disrupt the consensus splice site, but this prediction has not been confirmed by published transcriptional studies. Disruption of this splice sight has been observed in individual(s) with clinical features of Gorlin syndrome (Invitae). ClinVar contains an entry for this variant (Variation ID: 844500). This variant is not present in population databases (ExAC no frequency). This sequence change affects a donor splice site in intron 21 of the PTCH1 gene. It is expected to disrupt RNA splicing and likely results in an absent or disrupted protein product.

Literature cited by the submitters: PubMed 16199547; PubMed 16301862; PubMed 16419085.

NM_000264.5(PTCH1):c.3549+2T>G

Gene: PTCH1 (patched 1; minus strand). Cytogenetic location: 9q22.32.
Variant type: single nucleotide variant.
Coding change: c.3549+2T>G on transcript NM_000264.5 (MANE Select); the canonical splice donor site of the intron after coding-DNA position 3549, T replaced by G.
Molecular consequence: splice donor variant.
Genome position (GRCh38, 1-based): chr9:95,449,839, A>C on the plus strand (T>G on the coding strand, the complement: PTCH1 is on the minus strand). VCF-style: chr9-95449839-A-C. GRCh37 (hg19) VCF-style: chr9-98212121-A-C.
Other names: c.3546+2T>G (NM_001083603.3); c.3351+2T>G (NM_001083602.3); c.3393+2T>G (NM_001354918.2); c.3096+2T>G (NM_001083605.3, NM_001083604.3, NM_001083606.3 and 1 more transcripts).
Identifiers: ClinVar variation 844500 (VCV000844500.10), dbSNP rs1838303339, ClinGen allele CA374111425.